The following is an entry in ClinVar:

NM_014727.3(KMT2B):c.5750G>A (p.Ser1917Asn)

Gene: KMT2B (lysine methyltransferase 2B; plus strand). Cytogenetic location: 19q13.12.
Variant type: single nucleotide variant.
Coding change: c.5750G>A on transcript NM_014727.3 (MANE Select); coding-DNA position 5750, G replaced by A.
Protein change: p.Ser1917Asn; replaces serine 1917 with asparagine.
Molecular consequence: missense variant.
Genome position (GRCh38, 1-based): chr19:35,732,299, G>A. VCF-style: chr19-35732299-G-A. GRCh37 (hg19) VCF-style: chr19-36223200-G-A.
Other names: c.5750G>A (NM_014727.1); short protein forms S1917N.
Identifiers: ClinVar variation 3637059 (VCV003637059.3).
Genomic context (GRCh38, chr19:35,732,299, plus strand): 5'-ACATCCCCACAGTGGGAGACCCGGACTTCCCAGCTCCCCCCAGACGTTCCCGTCGTCCCA[G>A]CCCTTTGGCTCCCAGGCCGCCTCCATCACGGTGGGCCTCCCCTCCTCTAAAAACCTCCCC-3'
Protein context (NP_055542.1, residues 1907-1927): PAPPRRSRRP[Ser1917Asn]PLAPRPPPSR

ClinVar aggregate classification (germline): Uncertain significance. Review status: criteria provided, multiple submitters, no conflicts (2 of 4 stars). 2 submissions from 2 submitters: Uncertain significance (2). Last evaluated 2025-11-19.

Conditions:
Inborn genetic diseases. Identifiers: MedGen C0950123, MeSH D030342.

gnomAD v4.1: 2 of 1,610,858 alleles (0.00012%); highest among the groups gnomAD compares: Admixed American, 0.0033%; no homozygotes.

Submissions (2):

Labcorp Genetics (formerly Invitae), Labcorp
Classification: Uncertain significance. Last evaluated: 2025-11-19. Review status: criteria provided, single submitter. Criteria: Invitae Variant Classification Sherloc (09022015). Collection method: clinical testing. Allele origin: germline.
Comment: This sequence change replaces serine, which is neutral and polar, with asparagine, which is neutral and polar, at codon 1917 of the KMT2B protein (p.Ser1917Asn). The frequency data for this variant in the population databases is considered unreliable, as metrics indicate poor data quality at this position in the gnomAD database. This variant has not been reported in the literature in individuals affected with KMT2B-related conditions. ClinVar contains an entry for this variant (Variation ID: 3637059). Invitae Evidence Modeling of protein sequence and biophysical properties (such as structural, functional, and spatial information, amino acid conservation, physicochemical variation, residue mobility, and thermodynamic stability) has been performed for this missense variant. However, the output from this modeling did not meet the statistical confidence thresholds required to predict the impact of this variant on KMT2B protein function. In summary, the available evidence is currently insufficient to determine the role of this variant in disease. Therefore, it has been classified as a Variant of Uncertain Significance.

Ambry Genetics
Classification: Uncertain significance for Inborn genetic diseases. Last evaluated: 2025-04-02. Review status: criteria provided, single submitter. Criteria: Ambry Variant Classification Scheme 2023. Collection method: clinical testing. Allele origin: germline.